The following is an entry in ClinVar:

NM_001048174.2(MUTYH):c.35A>C (p.His12Pro)

Gene: MUTYH (mutY DNA glycosylase; minus strand). Cytogenetic location: 1p34.1.
Variant type: single nucleotide variant.
Coding change: c.35A>C on transcript NM_001048174.2 (MANE Select); coding-DNA position 35, A replaced by C.
Protein change: p.His12Pro; replaces histidine 12 with proline.
Molecular consequence: missense variant. On other transcripts: 5 prime UTR variant (7), non-coding transcript variant (7).
Genome position (GRCh38, 1-based): chr1:45,334,471, T>G on the plus strand (A>C on the coding strand, the complement: MUTYH is on the minus strand). VCF-style: chr1-45334471-T-G. GRCh37 (hg19) VCF-style: chr1-45800143-T-G.
Other names: c.35A>C, p.His12Pro (NM_001407071.1, NM_001407072.1, NM_001407077.1 and 15 more transcripts); c.77A>C, p.His26Pro (NM_001407073.1, NM_012222.3, NM_001128425.2 and 2 more transcripts); c.-122A>C (NM_001407075.1); c.-173A>C (NM_001407082.1, NM_001350651.2); c.53A>C, p.His18Pro (NM_001407087.1); c.-178A>C (NM_001407091.1, NM_001293192.2, NM_001293196.2); c.-237A>C (NM_001350650.2); short protein forms H12P, H18P, H26P.
Identifiers: ClinVar variation 4113835 (VCV004113835.1).

ClinVar aggregate classification (germline): Uncertain significance (1 of 4 stars; one submission).

Conditions:
Hereditary cancer-predisposing syndrome. Also called: Hereditary neoplastic syndrome; Neoplastic Syndromes, Hereditary; Tumor predisposition; Hereditary Cancer Syndrome. Identifiers: Orphanet 140162, MedGen C0027672, MeSH D009386, MONDO:0015356.

Submission:

Ambry Genetics
Classification: Uncertain significance for Hereditary cancer-predisposing syndrome. Last evaluated: 2025-08-27. Review status: criteria provided, single submitter. Criteria: Ambry Variant Classification Scheme 2023. Collection method: clinical testing. Allele origin: germline.
Comment: The p.H26P variant (also known as c.77A>C), located in coding exon 2 of the MUTYH gene, results from an A to C substitution at nucleotide position 77. The histidine at codon 26 is replaced by proline, an amino acid with similar properties. This amino acid position is conserved. In addition, this alteration is predicted to be tolerated by in silico analysis. Based on the available evidence, the clinical significance of this variant remains unclear.